The following is an entry in ClinVar:

ClinVar aggregate classification (germline): Uncertain significance. Review status: criteria provided, multiple submitters, no conflicts (2 of 4 stars). 2 submissions from 2 submitters: Uncertain significance (2). Last evaluated 2024-03-26.

Conditions:
Rhabdoid tumor predisposition syndrome 2 (RTPS2). Identifiers: Orphanet 231108, Orphanet 69077, MedGen C2750074, MONDO:0013224, OMIM 613325.
Hereditary cancer-predisposing syndrome. Also called: Tumor predisposition; Neoplastic Syndromes, Hereditary; Hereditary neoplastic syndrome; Hereditary Cancer Syndrome. Identifiers: Orphanet 140162, MedGen C0027672, MeSH D009386, MONDO:0015356.

Allele frequency attached by ClinVar (database versions not stated): gnomAD exomes below 0.00001.
gnomAD v4.1: 3 of 1,535,948 alleles (0.0002%); highest among the groups gnomAD compares: Middle Eastern, 0.017%; no homozygotes.

Submissions (2):

Ambry Genetics
Classification: Uncertain significance for Hereditary cancer-predisposing syndrome. Last evaluated: 2024-03-26. Review status: criteria provided, single submitter. Criteria: Ambry Variant Classification Scheme 2023. Collection method: clinical testing. Allele origin: germline.
Comment: The p.H253R variant (also known as c.758A>G), located in coding exon 3 of the SMARCA4 gene, results from an A to G substitution at nucleotide position 758. The histidine at codon 253 is replaced by arginine, an amino acid with highly similar properties. This amino acid position is well conserved in available vertebrate species. In addition, the in silico prediction for this alteration is inconclusive. Based on the available evidence, the clinical significance of this alteration remains unclear.

Labcorp Genetics (formerly Invitae), Labcorp
Classification: Uncertain significance for Rhabdoid tumor predisposition syndrome 2. Last evaluated: 2020-08-24. Review status: criteria provided, single submitter. Criteria: Invitae Variant Classification Sherloc (09022015). Collection method: clinical testing. Allele origin: germline.
Comment: This sequence change replaces histidine with arginine at codon 253 of the SMARCA4 protein (p.His253Arg). The histidine residue is highly conserved and there is a small physicochemical difference between histidine and arginine. The frequency data for this variant in the population databases is considered unreliable, as metrics indicate insufficient coverage at this position in the ExAC database. This variant has not been reported in the literature in individuals with SMARCA4-related conditions. Algorithms developed to predict the effect of missense changes on protein structure and function (SIFT, PolyPhen-2, Align-GVGD) all suggest that this variant is likely to be disruptive, but these predictions have not been confirmed by published functional studies and their clinical significance is uncertain. In summary, the available evidence is currently insufficient to determine the role of this variant in disease. Therefore, it has been classified as a Variant of Uncertain Significance.

NM_003072.5(SMARCA4):c.758A>G (p.His253Arg)

Gene: SMARCA4 (SWI/SNF related BAF chromatin remodeling complex subunit ATPase 4; plus strand). Cytogenetic location: 19p13.2.
Variant type: single nucleotide variant.
Coding change: c.758A>G on transcript NM_003072.5 (MANE Select); coding-DNA position 758, A replaced by G.
Protein change: p.His253Arg; replaces histidine 253 with arginine.
Molecular consequence: missense variant. On other transcripts: non-coding transcript variant (1).
Genome position (GRCh38, 1-based): chr19:10,986,591, A>G. VCF-style: chr19-10986591-A-G. GRCh37 (hg19) VCF-style: chr19-11097267-A-G.
Other names: c.758A>G, p.His253Arg (NM_001128844.3, NM_001128845.2, NM_001128846.2 and 4 more transcripts); short protein forms H253R.
Identifiers: ClinVar variation 849988 (VCV000849988.13), dbSNP rs2086063382, ClinGen allele CA404057339.